The following is an entry in ClinVar:

ClinVar aggregate classification (germline): Likely pathogenic. Review status: criteria provided, multiple submitters, no conflicts (2 of 4 stars). 2 submissions from 2 submitters: Likely pathogenic (2). Last evaluated 2024-03-24.

Conditions:
Megalencephalic leukoencephalopathy with subcortical cysts 1 (MLC1). Also called: LEUKOENCEPHALOPATHY WITH SWELLING AND CYSTS; VACUOLATING MEGALENCEPHALIC LEUKOENCEPHALOPATHY WITH SUBCORTICAL CYSTS. Identifiers: Orphanet 2478, MedGen C5779875, MONDO:0024555, OMIM 604004.

gnomAD v4.1: 1 of 1,613,610 alleles (0.000062%); highest among the groups gnomAD compares: Non-Finnish European, 0.000085%; no homozygotes.

Submissions (2):

Baylor Genetics
Classification: Likely pathogenic for Megalencephalic leukoencephalopathy with subcortical cysts 1. Last evaluated: 2024-03-24. Review status: criteria provided, single submitter. Criteria: ACMG Guidelines, 2015. Collection method: clinical testing. Allele origin: unknown.

Labcorp Genetics (formerly Invitae), Labcorp
Classification: Likely pathogenic. Last evaluated: 2022-09-18. Review status: criteria provided, single submitter. Criteria: Invitae Variant Classification Sherloc (09022015). Collection method: clinical testing. Allele origin: germline.
Comment: This sequence change affects a donor splice site in intron 7 of the MLC1 gene. It is expected to disrupt RNA splicing. Variants that disrupt the donor or acceptor splice site typically lead to a loss of protein function (PMID: 16199547), and loss-of-function variants in MLC1 are known to be pathogenic (PMID: 11254442, 16470554, 24824219). In summary, the currently available evidence indicates that the variant is pathogenic, but additional data are needed to prove that conclusively. Therefore, this variant has been classified as Likely Pathogenic. Algorithms developed to predict the effect of sequence changes on RNA splicing suggest that this variant may disrupt the consensus splice site. ClinVar contains an entry for this variant (Variation ID: 1066769). This variant has not been reported in the literature in individuals affected with MLC1-related conditions. This variant is not present in population databases (gnomAD no frequency).

Literature cited by the submitters: PubMed 16199547 (cited by Labcorp Genetics (formerly Invitae), Labcorp); PubMed 11254442 (cited by Labcorp Genetics (formerly Invitae), Labcorp); PubMed 16470554 (cited by Labcorp Genetics (formerly Invitae), Labcorp); PubMed 24824219 (cited by Labcorp Genetics (formerly Invitae), Labcorp).

NM_015166.4(MLC1):c.597+2T>A

Gene: MLC1 (modulator of VRAC current 1; minus strand). Cytogenetic location: 22q13.33.
Variant type: single nucleotide variant.
Coding change: c.597+2T>A on transcript NM_015166.4 (MANE Select); the canonical splice donor site of the intron after coding-DNA position 597, T replaced by A.
Molecular consequence: splice donor variant.
Genome position (GRCh38, 1-based): chr22:50,076,839, A>T on the plus strand (T>A on the coding strand, the complement: MLC1 is on the minus strand). VCF-style: chr22-50076839-A-T. GRCh37 (hg19) VCF-style: chr22-50515268-A-T.
Other names: c.597+2T>A (NM_001376474.1, NM_001376475.1, NM_001376476.1 and 6 more transcripts); c.360+2T>A (NM_001376484.1); c.507+2T>A (NM_001376480.1); c.441+2T>A (NM_001376482.1, NM_001376483.1); c.495+2T>A (NM_001376481.1).
Identifiers: ClinVar variation 1066769 (VCV001066769.8), dbSNP rs1425964299, ClinGen allele CA412109425.